The following is an entry in ClinVar:

NM_004990.4(MARS1):c.1316_1327dup (p.Pro442_Val443insGlySerCysPro)

Gene: MARS1 (methionyl-tRNA synthetase 1; plus strand). Cytogenetic location: 12q13.3.
Variant type: Duplication.
Coding change: c.1316_1327dup on transcript NM_004990.4 (MANE Select); coding-DNA positions 1316 to 1327, 12 bases duplicated (GATCATGCCCTG).
Protein change: p.Pro442_Val443insGlySerCysPro.
Molecular consequence: inframe insertion.
Genome position (GRCh38, 1-based): chr12:57,504,247-57,504,258, GATCATGCCCTG duplicated. VCF-style (leftmost placement, unchanged base first): chr12-57504246-C-CGATCATGCCCTG. GRCh37 (hg19) VCF-style: chr12-57898029-C-CGATCATGCCCTG.
Identifiers: ClinVar variation 2637952 (VCV002637952.2), dbSNP rs1565646613, ClinGen allele CA605308900.

ClinVar aggregate classification (germline): Uncertain significance (1 of 4 stars; one submission).

Conditions:
Trichothiodystrophy 9, nonphotosensitive (TTD9). Identifiers: MedGen C5562058, MONDO:0030518, OMIM 619692.

Allele frequency attached by ClinVar (database versions not stated): gnomAD exomes below 0.00001.

Submission:

Illumina Laboratory Services, Illumina
Classification: Uncertain significance for Trichothiodystrophy 9, nonphotosensitive. Last evaluated: 2023-09-12. Review status: criteria provided, single submitter. Criteria: ISL SNV Classification Criteria 03 February 2026. Collection method: clinical testing. Allele origin: unknown.
Comment: The MARS1 c.1316_1327dup (p.Pro442_Val443insGlySerCysPro) variant results in an in-frame insertion of four amino acids. To our knowledge, this variant has not been reported in the peer-reviewed literature. The p.Pro442_Val443insGlySerCysPro variant is located in the core catalytic domain and is not observed at a significant frequency in version 4.1.0 of the Genome Aggregation Database. Based on the available evidence, the c.1316_1327dup (p.Pro442_Val443insGlySerCysPro) variant is classified as a variant of uncertain significance for non-photosensitive trichothiodystrophy.